The following is an entry in ClinVar:

NM_007194.4(CHEK2):c.1095+5G>C

Gene: CHEK2 (checkpoint kinase 2; minus strand). Cytogenetic location: 22q12.1.
Variant type: single nucleotide variant.
Coding change: c.1095+5G>C on transcript NM_007194.4 (MANE Select); 5 bases into the intron after coding-DNA position 1095, G replaced by C.
Molecular consequence: intron variant.
Genome position (GRCh38, 1-based): chr22:28,696,896, C>G on the plus strand (G>C on the coding strand, the complement: CHEK2 is on the minus strand). VCF-style: chr22-28696896-C-G. GRCh37 (hg19) VCF-style: chr22-29092884-C-G.
Other names: c.432+5G>C (NM_001437942.1, NM_001257387.3); c.894+5G>C (NM_001349956.3); c.1009-1023G>C (NM_145862.3); c.1102-1023G>C (NM_001438295.1); c.1188+5G>C (NM_001438293.1); c.1138-1023G>C (NM_001438294.1); c.1224+5G>C (NM_001005735.3).
Identifiers: ClinVar variation 644930 (VCV000644930.7), dbSNP rs1601726470, ClinGen allele CA915952850.

ClinVar aggregate classification (germline): Uncertain significance (1 of 4 stars; one submission).

Conditions:
Familial cancer of breast. Also called: hereditary breast carcinoma; Hereditary breast cancer; BREAST CANCER, FAMILIAL. Identifiers: Orphanet 227535, MedGen C0346153, MONDO:0016419, OMIM 114480. Disease mechanism: loss of function.

Submission:

Labcorp Genetics (formerly Invitae), Labcorp
Classification: Uncertain significance for Familial cancer of breast. Last evaluated: 2018-07-16. Review status: criteria provided, single submitter. Criteria: Invitae Variant Classification Sherloc (09022015). Collection method: clinical testing. Allele origin: germline.
Comment: This sequence change falls in intron 10 of the CHEK2 gene. It does not directly change the encoded amino acid sequence of the CHEK2 protein, but it affects a nucleotide within the consensus splice site of the intron. This variant is not present in population databases (ExAC no frequency). This variant has not been reported in the literature in individuals with CHEK2-related disease. Nucleotide substitutions within the consensus splice site are a relatively common cause of aberrant splicing (PMID: 17576681, 9536098). Algorithms developed to predict the effect of sequence changes on RNA splicing suggest that this variant may disrupt the consensus splice site, but this prediction has not been confirmed by published transcriptional studies. In summary, the available evidence is currently insufficient to determine the role of this variant in disease. Therefore, it has been classified as a Variant of Uncertain Significance.

Literature cited by the submitters: PubMed 17576681; PubMed 9536098.